The following is an entry in ClinVar:

NM_182931.3(KMT2E):c.4970G>T (p.Gly1657Val)

Gene: KMT2E (lysine methyltransferase 2E (inactive); plus strand). Cytogenetic location: 7q22.3.
Variant type: single nucleotide variant.
Coding change: c.4970G>T on transcript NM_182931.3 (MANE Select); coding-DNA position 4970, G replaced by T.
Protein change: p.Gly1657Val; replaces glycine 1657 with valine.
Molecular consequence: missense variant.
Genome position (GRCh38, 1-based): chr7:105,112,726, G>T. VCF-style: chr7-105112726-G-T. GRCh37 (hg19) VCF-style: chr7-104753173-G-T.
Other names: c.4844G>T, p.Gly1615Val (NM_001410908.1); c.4970G>T, p.Gly1657Val (NM_018682.4); short protein forms G1615V, G1657V.
Identifiers: ClinVar variation 4813530 (VCV004813530.1).
Genomic context (GRCh38, chr7:105,112,726, plus strand): 5'-GACCGCACCTTGTACAACAGCCGAATTCCCATCAGCAACACTCTGTAGCACATGTAGTAG[G>T]GCCTGTTCATGCGGTCACCCCTGGGTCGCATATTCATTCTCAAACTGCTGGACACCACTT-3'
Protein context (NP_891847.1, residues 1647-1667): HQQHSVAHVV[Gly1657Val]PVHAVTPGSH

ClinVar aggregate classification (germline): Uncertain significance (1 of 4 stars; one submission).

Conditions:
O'Donnell-Luria-Rodan syndrome (ODLURO). Also called: KMT2E-Related Neurodevelopmental Disorder. Identifiers: MedGen C5193138, MONDO:0032793, OMIM 618512.

Submission:

Mendelics
Classification: Uncertain significance for O'Donnell-Luria-Rodan syndrome. Last evaluated: 2026-03-05. Review status: criteria provided, single submitter. Criteria: ACMG Guidelines, 2015. Collection method: clinical testing. Allele origin: unknown.
Comment: The available evidence is insufficient to conclusively determine the role of this variant. Therefore, it is classified as a Variant of Uncertain Significance.